The following is an entry in ClinVar:

NM_015335.5(MED13L):c.4623G>A (p.Thr1541=)

Gene: MED13L (mediator complex subunit 13L; minus strand). Cytogenetic location: 12q24.21.
Variant type: single nucleotide variant.
Coding change: c.4623G>A on transcript NM_015335.5 (MANE Select); coding-DNA position 4623, G replaced by A.
Protein change: p.Thr1541=; no amino-acid change (threonine 1541 retained).
Molecular consequence: synonymous variant.
Genome position (GRCh38, 1-based): chr12:115,983,449, C>T on the plus strand (G>A on the coding strand, the complement: MED13L is on the minus strand). VCF-style: chr12-115983449-C-T. GRCh37 (hg19) VCF-style: chr12-116421254-C-T.
Other names: c.4623G>A (NM_015335.4).
Identifiers: ClinVar variation 2082099 (VCV002082099.6), dbSNP rs149358508, ClinGen allele CA6810762.
Genomic context (GRCh38, chr12:115,983,449, plus strand): 5'-TGCACTGCCAGCTGGGGGAGCTGCTGATCCATTTGGAGCTAAGGGCCCAGCATTCCCTGG[C>T]GTAGCTTGTCCCTGTGCTGCTGCTGGTGGGGTCTGGTATTTAGGTGGTATCAATAGGCTG-3'
Protein context (NP_056150.1, residues 1531-1551): TPPAAAQGQA[Thr1541=]PGNAGPLAPN

ClinVar aggregate classification (germline): Benign. Review status: criteria provided, single submitter (1 of 4 stars). 2 submissions from 2 submitters: Benign (1). 1 of the submissions does not count toward it. Last evaluated 2023-12-07.

Conditions:
Dextro-looped transposition of the great arteries. Also called: Dextrotransposition of the great arteries. Identifiers: Orphanet 860, MedGen C3531771, MONDO:0019443, OMIM 608808, HP:0031348.
MED13L-related disorder. Also called: MED13L-related condition.

Allele frequency attached by ClinVar (database versions not stated): ExAC 0.00002; ESP Exome Variant Server 0.00008.
gnomAD v4.1: 20 of 1,614,050 alleles (0.0012%); highest among the groups gnomAD compares: African/African-American, 0.02%; 1 homozygote.

Submissions (2):

Labcorp Genetics (formerly Invitae), Labcorp
Classification: Benign for Dextro-looped transposition of the great arteries. Last evaluated: 2023-12-07. Review status: criteria provided, single submitter. Criteria: Invitae Variant Classification Sherloc (09022015). Collection method: clinical testing. Allele origin: germline.

PreventionGenetics, part of Exact Sciences
Classification: Likely benign for MED13L-related condition. Last evaluated: 2019-06-07. Review status: no assertion criteria provided. Collection method: clinical testing. Allele origin: germline. Not counted in ClinVar's aggregate classification.
Comment: This variant is classified as likely benign based on ACMG/AMP sequence variant interpretation guidelines (Richards et al. 2015 PMID: 25741868, with internal and published modifications).